The following is an entry in ClinVar:

NM_017654.4(SAMD9):c.3745G>C (p.Ala1249Pro)

Gene: SAMD9 (sterile alpha motif domain containing 9; minus strand). Cytogenetic location: 7q21.2.
Variant type: single nucleotide variant.
Coding change: c.3745G>C on transcript NM_017654.4 (MANE Select); coding-DNA position 3745, G replaced by C.
Protein change: p.Ala1249Pro; replaces alanine 1249 with proline.
Molecular consequence: missense variant.
Genome position (GRCh38, 1-based): chr7:93,102,353, C>G on the plus strand (G>C on the coding strand, the complement: SAMD9 is on the minus strand). VCF-style: chr7-93102353-C-G. GRCh37 (hg19) VCF-style: chr7-92731666-C-G.
Other names: c.3745G>C, p.Ala1249Pro (NM_001193307.2); short protein forms A1249P.
Identifiers: ClinVar variation 4863796 (VCV004863796.1).

ClinVar aggregate classification (germline): Uncertain significance (1 of 4 stars; one submission).

Conditions:
Inborn genetic diseases. Identifiers: MedGen C0950123, MeSH D030342.

Submission:

Ambry Genetics
Classification: Uncertain significance for Inborn genetic diseases. Last evaluated: 2026-04-04. Review status: criteria provided, single submitter. Criteria: Ambry Variant Classification Scheme 2023. Collection method: clinical testing. Allele origin: germline.
Comment: The p.A1249P variant (also known as c.3745G>C), located in coding exon 1 of the SAMD9 gene, results from a G to C substitution at nucleotide position 3745. The alanine at codon 1249 is replaced by proline, an amino acid with highly similar properties. This amino acid position is conserved. In addition, this alteration is predicted to be tolerated by in silico analysis. Based on the available evidence, the clinical significance of this variant remains unclear.